The following is an entry in ClinVar:

NM_004958.4(MTOR):c.4884T>G (p.Arg1628=)

Gene: MTOR (mechanistic target of rapamycin kinase; minus strand). Cytogenetic location: 1p36.22.
Variant type: single nucleotide variant.
Coding change: c.4884T>G on transcript NM_004958.4 (MANE Select); coding-DNA position 4884, T replaced by G.
Protein change: p.Arg1628=; no amino-acid change (arginine 1628 retained).
Molecular consequence: synonymous variant.
Genome position (GRCh38, 1-based): chr1:11,139,647, A>C on the plus strand (T>G on the coding strand, the complement: MTOR is on the minus strand). VCF-style: chr1-11139647-A-C. GRCh37 (hg19) VCF-style: chr1-11199704-A-C.
Identifiers: ClinVar variation 696772 (VCV000696772.52), dbSNP rs56219693, ClinGen allele CA589508.

ClinVar aggregate classification (germline): Likely benign. Review status: criteria provided, multiple submitters, no conflicts (2 of 4 stars). 3 submissions from 3 submitters: Likely benign (3). Last evaluated 2026-09-01.

Allele frequency attached by ClinVar (database versions not stated): TOPMed 0.00012; ExAC 0.00021; gnomAD 0.00025 and 0.00027; ESP Exome Variant Server 0.00031.
gnomAD v4.1: 267 of 1,614,084 alleles (0.017%); highest among the groups gnomAD compares: Non-Finnish European, 0.018%; no homozygotes.

Submissions (3):

CeGaT Center for Human Genetics Tuebingen
Classification: Likely benign. Last evaluated: 2026-09-01. Review status: criteria provided, single submitter. Criteria: CeGaT Center For Human Genetics Tuebingen Variant Classification Criteria Version 2. Collection method: clinical testing. Allele origin: germline. Affected: yes. Observed: 9 variant alleles.
Comment: MTOR: BP4, BP7

Labcorp Genetics (formerly Invitae), Labcorp
Classification: Likely benign. Last evaluated: 2026-01-04. Review status: criteria provided, single submitter. Criteria: Invitae Variant Classification Sherloc (09022015). Collection method: clinical testing. Allele origin: germline.

Blueprint Genetics
Classification: Likely benign. Last evaluated: 2024-09-15. Review status: criteria provided, single submitter. Criteria: ACMG Guidelines, 2015. Collection method: clinical testing. Allele origin: germline.